The following is an entry in ClinVar:

NM_001164508.2(NEB):c.11221G>A (p.Gly3741Ser)

Gene: NEB (nebulin; minus strand). Cytogenetic location: 2q23.3.
Variant type: single nucleotide variant.
Coding change: c.11221G>A on transcript NM_001164508.2 (MANE Select); coding-DNA position 11221, G replaced by A.
Protein change: p.Gly3741Ser; replaces glycine 3741 with serine.
Molecular consequence: missense variant.
Genome position (GRCh38, 1-based): chr2:151,616,070, C>T on the plus strand (G>A on the coding strand, the complement: NEB is on the minus strand). VCF-style: chr2-151616070-C-T. GRCh37 (hg19) VCF-style: chr2-152472584-C-T.
Other names: c.11221G>A, p.Gly3741Ser (NM_001164507.2, NM_001271208.2); c.10492G>A, p.Gly3498Ser (NM_004543.5); c.10492G>A (NM_004543.4); short protein forms G3741S, G3498S.
Identifiers: ClinVar variation 289466 (VCV000289466.13), dbSNP rs375657086, ClinGen allele CA1908807.

ClinVar aggregate classification (germline): Uncertain significance. Review status: criteria provided, multiple submitters, no conflicts (2 of 4 stars). 5 submissions from 5 submitters: Uncertain significance (4). 1 of the submissions does not count toward it. Last evaluated 2026-05-07.

Conditions:
Inborn genetic diseases. Identifiers: MedGen C0950123, MeSH D030342.
Nemaline myopathy 2 (NEM2). Also called: Nemaline myopathy 2, autosomal recessive. Identifiers: MedGen C1850569, MONDO:0009725, OMIM 256030.

Allele frequency attached by ClinVar (database versions not stated): ESP Exome Variant Server 0.00008; TOPMed 0.00011; gnomAD 0.00013 and 0.00016.
gnomAD v4.1: 34 of 1,613,000 alleles (0.0021%); highest among the groups gnomAD compares: African/African-American, 0.041%; no homozygotes.

Submissions (5):

Ambry Genetics
Classification: Uncertain significance for Inborn genetic diseases. Last evaluated: 2026-05-07. Review status: criteria provided, single submitter. Criteria: Ambry Variant Classification Scheme 2023. Collection method: clinical testing. Allele origin: germline.

Revvity Omics, Revvity
Classification: Uncertain significance. Last evaluated: 2024-07-10. Review status: criteria provided, single submitter. Criteria: ACMG Guidelines, 2015. Collection method: clinical testing. Allele origin: germline.

Labcorp Genetics (formerly Invitae), Labcorp
Classification: Uncertain significance for Nemaline myopathy 2. Last evaluated: 2022-08-16. Review status: criteria provided, single submitter. Criteria: Invitae Variant Classification Sherloc (09022015). Collection method: clinical testing. Allele origin: germline.
Comment: This sequence change replaces glycine, which is neutral and non-polar, with serine, which is neutral and polar, at codon 3741 of the NEB protein (p.Gly3741Ser). This variant is present in population databases (rs375657086, gnomAD 0.03%). This variant has not been reported in the literature in individuals affected with NEB-related conditions. ClinVar contains an entry for this variant (Variation ID: 289466). Algorithms developed to predict the effect of missense changes on protein structure and function are either unavailable or do not agree on the potential impact of this missense change (SIFT: "Deleterious"; PolyPhen-2: "Not Available"; Align-GVGD: "Class C0"). In summary, the available evidence is currently insufficient to determine the role of this variant in disease. Therefore, it has been classified as a Variant of Uncertain Significance.

Eurofins Ntd Llc (ga)
Classification: Uncertain significance. Last evaluated: 2016-07-12. Review status: criteria provided, single submitter. Criteria: EGL Classification Definitions 2015. Collection method: clinical testing. Allele origin: germline. Observed: 1 variant allele, 1 heterozygote.

Natera, Inc.
Classification: Uncertain significance for Nemaline myopathy type 2. Last evaluated: 2020-09-16. Review status: no assertion criteria provided. Collection method: clinical testing. Allele origin: germline. Not counted in ClinVar's aggregate classification.